The following is an entry in ClinVar:

NM_003737.4(DCHS1):c.8172C>T (p.Leu2724=)

Gene: DCHS1 (dachsous cadherin-related 1; minus strand). Cytogenetic location: 11p15.4.
Variant type: single nucleotide variant.
Coding change: c.8172C>T on transcript NM_003737.4 (MANE Select); coding-DNA position 8172, C replaced by T.
Protein change: p.Leu2724=; no amino-acid change (leucine 2724 retained).
Molecular consequence: synonymous variant.
Genome position (GRCh38, 1-based): chr11:6,623,504, G>A on the plus strand (C>T on the coding strand, the complement: DCHS1 is on the minus strand). VCF-style: chr11-6623504-G-A. GRCh37 (hg19) VCF-style: chr11-6644735-G-A.
Identifiers: ClinVar variation 797513 (VCV000797513.7), dbSNP rs575189604, ClinGen allele CA5859477.
Genomic context (GRCh38, chr11:6,623,504, plus strand): 5'-GCTGTAACGGAGCCTCCCAAAAGCCCCAGCATCCCCGTCGATTGCATGCAGAGTGGTCAC[G>A]AGAGTGCCTGGAGGCTGATTCTCGGCCACGCTGGTGCTGAGTAAGTTCAGTGGGAAGGCT-3'
Protein context (NP_003728.1, residues 2714-2734): SVAENQPPGT[Leu2724=]VTTLHAIDGD

ClinVar aggregate classification (germline): Benign. Review status: criteria provided, single submitter (1 of 4 stars). 2 submissions from 2 submitters: Benign (1). 1 of the submissions does not count toward it. Last evaluated 2025-12-09.

Conditions:
DCHS1-related disorder. Also called: DCHS1-related condition.

Allele frequency attached by ClinVar (database versions not stated): gnomAD 0.00001 and 0.00002; gnomAD exomes 0.00003 and 0.00006; TOPMed 0.00003; 1000 Genomes Project 30x 0.00016; ExAC 0.00018; 1000 Genomes Project 0.00020.
gnomAD v4.1: 51 of 1,599,356 alleles (0.0032%); highest among the groups gnomAD compares: South Asian, 0.017%; 1 homozygote.

Submissions (2):

Labcorp Genetics (formerly Invitae), Labcorp
Classification: Benign. Last evaluated: 2025-12-09. Review status: criteria provided, single submitter. Criteria: Invitae Variant Classification Sherloc (09022015). Collection method: clinical testing. Allele origin: germline.

PreventionGenetics, part of Exact Sciences
Classification: Likely benign for DCHS1-related condition. Last evaluated: 2019-07-24. Review status: no assertion criteria provided. Collection method: clinical testing. Allele origin: germline. Not counted in ClinVar's aggregate classification.
Comment: This variant is classified as likely benign based on ACMG/AMP sequence variant interpretation guidelines (Richards et al. 2015 PMID: 25741868, with internal and published modifications).